The following is an entry in ClinVar:

NM_002880.4(RAF1):c.*495C>T

Gene: RAF1 (Raf-1 proto-oncogene, serine/threonine kinase; minus strand). Cytogenetic location: 3p25.2.
Variant type: single nucleotide variant.
Coding change: c.*495C>T on transcript NM_002880.4 (MANE Select); 495 bases downstream of the stop codon, C replaced by T.
Molecular consequence: 3 prime UTR variant. On other transcripts: non-coding transcript variant (3).
Genome position (GRCh38, 1-based): chr3:12,584,019, G>A on the plus strand (C>T on the coding strand, the complement: RAF1 is on the minus strand). VCF-style: chr3-12584019-G-A. GRCh37 (hg19) VCF-style: chr3-12625518-G-A.
Other names: c.*495C>T (NM_001354689.3, NM_001354690.3, NM_001354691.3 and 4 more transcripts).
Identifiers: ClinVar variation 343097 (VCV000343097.5), dbSNP rs12808, ClinGen allele CA10615192.
Genomic context (GRCh38, chr3:12,584,019, plus strand): 5'-GTGTCCCCTAAGAAAAGTTCCATAGTACCAAAGCAGGCTCCTTCGGGCGGCCAGAGTCTC[G>A]GCAGTCCTGGGCTGTTTGGTGCCTTATGTGCAAAATGTCTGGCGCTGCACCACTCTCTGA-3'

ClinVar aggregate classification (germline): Benign/Likely benign. Review status: criteria provided, single submitter (1 of 4 stars). 2 submissions from 1 submitter: Benign (1); Likely benign (1). Last evaluated 2018-01-13.

Conditions:
LEOPARD syndrome 2 (LPRD2). Also called: RAF1-Related LEOPARD Syndrome. Identifiers: Orphanet 500, MedGen C1969056, MONDO:0012691, OMIM 611554.
Noonan syndrome 5 (NS5). Also called: RAF1-Related Noonan Syndrome. Identifiers: Orphanet 648, MedGen C1969057, MONDO:0012690, OMIM 611553. Disease mechanism: gain of function.

Allele frequency attached by ClinVar (database versions not stated): 1000 Genomes Project 0.00319; gnomAD 0.00332 and 0.00354; 1000 Genomes Project 30x 0.00344; TOPMed 0.00370.
gnomAD v4.1: 609 of 252,422 alleles (0.24%); highest among the groups gnomAD compares: African/African-American, 1.1%; 3 homozygotes.

Submissions (2):

Illumina Laboratory Services, Illumina
Classification: Likely benign for Noonan syndrome 5. Last evaluated: 2018-01-13. Review status: criteria provided, single submitter. Criteria: ICSL Variant Classification Criteria 13 December 2019. Collection method: clinical testing. Allele origin: germline.
Comment: This variant was observed in the ICSL laboratory as part of a predisposition screen in an ostensibly healthy population. It had not been previously curated by ICSL or reported in the Human Gene Mutation Database (HGMD: prior to June 1st, 2018), and was therefore a candidate for classification through an automated scoring system. Utilizing variant allele frequency, disease prevalence and penetrance estimates, and inheritance mode, an automated score was calculated to assess if this variant is too frequent to cause the disease. Based on the score and internal cut-off values, a variant classified as likely benign is not then subjected to further curation. The score for this variant resulted in a classification of likely benign for this disease.

Illumina Laboratory Services, Illumina
Classification: Benign for LEOPARD syndrome 2. Last evaluated: 2018-01-13. Review status: criteria provided, single submitter. Criteria: ICSL Variant Classification Criteria 13 December 2019. Collection method: clinical testing. Allele origin: germline.
Comment: This variant was observed in the ICSL laboratory as part of a predisposition screen in an ostensibly healthy population. It had not been previously curated by ICSL or reported in the Human Gene Mutation Database (HGMD: prior to June 1st, 2018), and was therefore a candidate for classification through an automated scoring system. Utilizing variant allele frequency, disease prevalence and penetrance estimates, and inheritance mode, an automated score was calculated to assess if this variant is too frequent to cause the disease. Based on the score and internal cut-off values, a variant classified as benign is not then subjected to further curation. The score for this variant resulted in a classification of benign for this disease.